The following is an entry in ClinVar:

ClinVar aggregate classification (germline): Uncertain significance. Review status: criteria provided, multiple submitters, no conflicts (2 of 4 stars). 2 submissions from 2 submitters: Uncertain significance (2). Last evaluated 2025-01-23.

Conditions:
Cardiovascular phenotype. Identifiers: MedGen CN230736.

Allele frequency attached by ClinVar (database versions not stated): TOPMed 0.00001; gnomAD exomes below 0.00001.
gnomAD v4.1: 1 of 1,614,080 alleles (0.000062%); highest among the groups gnomAD compares: African/African-American, 0.0013%; no homozygotes.

Submissions (2):

Ambry Genetics
Classification: Uncertain significance for Cardiovascular phenotype. Last evaluated: 2025-01-23. Review status: criteria provided, single submitter. Criteria: Ambry Variant Classification Scheme 2023. Collection method: clinical testing. Allele origin: germline.

GeneDx
Classification: Uncertain significance. Last evaluated: 2020-01-23. Review status: criteria provided, single submitter. Criteria: GeneDx Variant Classification Process June 2021. Collection method: clinical testing. Allele origin: germline. Affected: yes.
Comment: Has not been previously published as pathogenic or benign to our knowledge; Not observed at a significant frequency in large population cohorts (Lek et al., 2016); In silico analysis, which includes protein predictors and evolutionary conservation, supports that this variant does not alter protein structure/function

NM_001148.6(ANK2):c.5927C>G (p.Ser1976Cys)

Genes: ANK2 (ankyrin 2; plus strand), LOC126807136 (MED14-independent group 3 enhancer GRCh37_chr4:114274931-114276130; plus strand). Cytogenetic location: 4q26.
Variant type: single nucleotide variant.
Coding change: c.5927C>G on transcript NM_001148.6 (MANE Select); coding-DNA position 5927, C replaced by G.
Protein change: p.Ser1976Cys; replaces serine 1976 with cysteine.
Molecular consequence: missense variant. On other transcripts: intron variant (68).
Genome position (GRCh38, 1-based): chr4:113,354,545, C>G. VCF-style: chr4-113354545-C-G. GRCh37 (hg19) VCF-style: chr4-114275701-C-G.
Other names: c.5693C>G, p.Ser1898Cys (NM_001386142.1); c.2327C>G, p.Ser776Cys (NM_001386166.1); c.6068C>G, p.Ser2023Cys (NM_001386174.1); c.6044C>G, p.Ser2015Cys (NM_001386175.1); c.4411+4296C>G (NM_001386186.2, NM_001386148.2); c.4213+4296C>G (NM_001354269.3); c.4291+4296C>G (NM_001386187.2); c.4252+4296C>G (NM_001386147.1); and 35 more; short protein forms S1898C, S1976C, S2015C, S2023C, S776C.
Identifiers: ClinVar variation 1316973 (VCV001316973.3), dbSNP rs1447972755, ClinGen allele CA357921781.
Genomic context (GRCh38, chr4:113,354,545, plus strand): 5'-AAACTGAGAAGCACCTGCCTGTGTCACCTTCTGGCAAAACAGAAAAGCAACCACCTGTAT[C>G]CCCCACTTCAAAAACAGAGAGGATTGAGGAAACCATGTCTGTTCGGGAGCTGATGAAGGC-3'
Protein context (NP_001139.3, residues 1966-1986): SGKTEKQPPV[Ser1976Cys]PTSKTERIEE